The following is an entry in ClinVar:

NM_000516.7(GNAS):c.*217C>G

Gene: GNAS (GNAS complex locus; plus strand). Cytogenetic location: 20q13.32.
Variant type: single nucleotide variant.
Coding change: c.*217C>G on transcript NM_000516.7 (MANE Select); 217 bases downstream of the stop codon, C replaced by G.
Molecular consequence: 3 prime UTR variant.
Genome position (GRCh38, 1-based): chr20:58,911,046, C>G. VCF-style: chr20-58911046-C-G. GRCh37 (hg19) VCF-style: chr20-57486101-C-G.
Other names: c.*217C>G (NM_001077488.5, NM_001077489.4, NM_001309840.2 and 10 more transcripts); c.*1263C>G (NM_001077490.3); c.*1308C>G (NM_016592.5).
Identifiers: ClinVar variation 4995790 (VCV004995790.1).

ClinVar aggregate classification (germline): Uncertain significance (1 of 4 stars; one submission).

Conditions:
GNAS-related disorder. Identifiers: MedGen CN380105.

Submission:

PreventionGenetics, part of Exact Sciences
Classification: Uncertain significance for GNAS-related condition. Last evaluated: 2026-06-15. Review status: criteria provided, single submitter. Criteria: ACMG Guidelines, 2015. Collection method: clinical testing. Allele origin: germline.
Comment: The GNAS c.*217C>G variant is located in the 3' untranslated region. To our knowledge, this variant has not been reported in the literature or in a large population database (gnomAD), indicating this variant is rare. At this time, the clinical significance of this variant is uncertain due to the absence of conclusive functional and genetic evidence.